The following is an entry in ClinVar:

ClinVar aggregate classification (germline): Uncertain significance (1 of 4 stars; one submission).

Conditions:
Anauxetic dysplasia. Identifiers: Orphanet 93347, MedGen C1846796, MONDO:0011773.

Allele frequency attached by ClinVar (database versions not stated): TOPMed 0.00001; gnomAD exomes 0.00002; gnomAD 0.00003.
gnomAD v4.1: 14 of 700,218 alleles (0.002%); highest among the groups gnomAD compares: Admixed American, 0.004%; no homozygotes.

Submission:

Labcorp Genetics (formerly Invitae), Labcorp
Classification: Uncertain significance for Anauxetic dysplasia. Last evaluated: 2022-07-23. Review status: criteria provided, single submitter. Criteria: Invitae Variant Classification Sherloc (09022015). Collection method: clinical testing. Allele origin: germline.
Comment: This variant occurs in the RMRP gene, which encodes an RNA molecule that does not result in a protein product. This variant is present in population databases (rs745416646, gnomAD 0.002%). This variant has not been reported in the literature in individuals affected with RMRP-related conditions. Experimental studies and prediction algorithms are not available or were not evaluated, and the functional significance of this variant is currently unknown. In summary, the available evidence is currently insufficient to determine the role of this variant in disease. Therefore, it has been classified as a Variant of Uncertain Significance.

NC_000009.12:g.35657937T>C

Gene: RMRP (RNA component of mitochondrial RNA processing endoribonuclease; minus strand). Cytogenetic location: 9p13.3.
Variant type: single nucleotide variant.
Genome position: GRCh38 VCF-style: chr9-35657937-T-C. GRCh37 (hg19) VCF-style: chr9-35657934-T-C.
Identifiers: ClinVar variation 2086172 (VCV002086172.1), dbSNP rs745416646, ClinGen allele CA192745658.